The following is an entry in ClinVar:

NM_001792.5(CDH2):c.659C>T (p.Ser220Leu)

Gene: CDH2 (cadherin 2; minus strand). Cytogenetic location: 18q12.1.
Variant type: single nucleotide variant.
Coding change: c.659C>T on transcript NM_001792.5 (MANE Select); coding-DNA position 659, C replaced by T.
Protein change: p.Ser220Leu; replaces serine 220 with leucine.
Molecular consequence: missense variant.
Genome position (GRCh38, 1-based): chr18:28,009,760, G>A on the plus strand (C>T on the coding strand, the complement: CDH2 is on the minus strand). VCF-style: chr18-28009760-G-A. GRCh37 (hg19) VCF-style: chr18-25589724-G-A.
Other names: c.566C>T, p.Ser189Leu (NM_001308176.2); short protein forms S189L, S220L.
Identifiers: ClinVar variation 1369614 (VCV001369614.8), dbSNP rs199534055, ClinGen allele CA8923637.

ClinVar aggregate classification (germline): Uncertain significance (1 of 4 stars; one submission).

Allele frequency attached by ClinVar (database versions not stated): TOPMed below 0.00001; gnomAD 0.00001; gnomAD exomes 0.00006; ExAC 0.00007.
gnomAD v4.1: 72 of 1,613,844 alleles (0.0045%); highest among the groups gnomAD compares: South Asian, 0.066%; 1 homozygote.

Submission:

Labcorp Genetics (formerly Invitae), Labcorp
Classification: Uncertain significance. Last evaluated: 2025-03-30. Review status: criteria provided, single submitter. Criteria: Invitae Variant Classification Sherloc (09022015). Collection method: clinical testing. Allele origin: germline.
Comment: This sequence change replaces serine, which is neutral and polar, with leucine, which is neutral and non-polar, at codon 220 of the CDH2 protein (p.Ser220Leu). This variant is present in population databases (rs199534055, gnomAD 0.04%), and has an allele count higher than expected for a pathogenic variant. This variant has not been reported in the literature in individuals affected with CDH2-related conditions. ClinVar contains an entry for this variant (Variation ID: 1369614). An algorithm developed to predict the effect of missense changes on protein structure and function (PolyPhen-2) suggests that this variant is likely to be disruptive. In summary, the available evidence is currently insufficient to determine the role of this variant in disease. Therefore, it has been classified as a Variant of Uncertain Significance.